The following is an entry in ClinVar:

ClinVar aggregate classification (germline): Likely benign (1 of 4 stars; one submission).

Conditions:
PLXNA2-related disorder. Also called: PLXNA2-related condition.

gnomAD v4.1: 1 of 1,614,164 alleles (0.000062%); highest among the groups gnomAD compares: Admixed American, 0.0017%; no homozygotes.

Submission:

PreventionGenetics, part of Exact Sciences
Classification: Likely benign for PLXNA2-related condition. Last evaluated: 2025-04-30. Review status: criteria provided, single submitter. Criteria: ACMG Guidelines, 2015. Collection method: clinical testing. Allele origin: germline.
Comment: This variant is classified as likely benign based on ACMG/AMP sequence variant interpretation guidelines (Richards et al. 2015 PMID: 25741868, with internal and published modifications).

NM_025179.4(PLXNA2):c.2352G>A (p.Val784=)

Gene: PLXNA2 (plexin A2; minus strand). Cytogenetic location: 1q32.2.
Variant type: single nucleotide variant.
Coding change: c.2352G>A on transcript NM_025179.4 (MANE Select); coding-DNA position 2352, G replaced by A.
Protein change: p.Val784=; no amino-acid change (valine 784 retained).
Molecular consequence: synonymous variant.
Genome position (GRCh38, 1-based): chr1:208,082,455, C>T on the plus strand (G>A on the coding strand, the complement: PLXNA2 is on the minus strand). VCF-style: chr1-208082455-C-T. GRCh37 (hg19) VCF-style: chr1-208255800-C-T.
Identifiers: ClinVar variation 5000981 (VCV005000981.1).
Genomic context (GRCh38, chr1:208,082,455, plus strand): 5'-CGGAAGTAGCCGCTTACCTTTCAGGTCCTGAGGGTTGTCAATGATGAAATTGCCGTTCCA[C>T]ACCACAGCGAAATCCACGGCCAGATTGCTGATGTCCATGCCATCATACTGGTACTATAGG-3'
Protein context (NP_079455.3, residues 774-794): ISNLAVDFAV[Val784=]WNGNFIIDNP